The following is an entry in ClinVar:

ClinVar aggregate classification (germline): Pathogenic/Likely pathogenic. Review status: criteria provided, multiple submitters, no conflicts (2 of 4 stars). 3 submissions from 3 submitters: Pathogenic (1); Likely pathogenic (1). 1 of the submissions does not count toward it. Last evaluated 2024-12-16.

Conditions:
Proteinuria, chronic benign. Identifiers: MedGen C5394384, MONDO:0030042, OMIM 618884.
Imerslund-Grasbeck syndrome type 1 (IGS1). Also called: MEGALOBLASTIC ANEMIA, 1; Imerslund-Gräsbeck syndrome 1; Megaloblastic anemia 1, Finnish type. Identifiers: MedGen C4016819, MONDO:0100156, OMIM 261100.
Imerslund-Grasbeck syndrome. Also called: ENTEROCYTE COBALAMIN MALABSORPTION; ENTEROCYTE INTRINSIC FACTOR RECEPTOR, DEFECT OF; PERNICIOUS ANEMIA, JUVENILE, DUE TO SELECTIVE INTESTINAL MALABSORPTION OF VITAMIN B12, WITH PROTEINURIA; Megaloblastic anemia due to inborn errors of metabolism; Imerslund-Gräsbeck syndrome. Identifiers: Orphanet 35858, MedGen C4551825, MONDO:0009853.

Allele frequency attached by ClinVar (database versions not stated): gnomAD exomes below 0.00001.
gnomAD v4.1: 7 of 1,523,848 alleles (0.00046%); highest among the groups gnomAD compares: African/African-American, 0.0014%; no homozygotes.

Submissions (3):

Labcorp Genetics (formerly Invitae), Labcorp
Classification: Pathogenic for Imerslund-Grasbeck syndrome. Last evaluated: 2024-12-16. Review status: criteria provided, single submitter. Criteria: Invitae Variant Classification Sherloc (09022015). Collection method: clinical testing. Allele origin: germline.
Comment: This sequence change affects a donor splice site in intron 11 of the CUBN gene. It is expected to disrupt RNA splicing. Variants that disrupt the donor or acceptor splice site typically lead to a loss of protein function (PMID: 16199547), and loss-of-function variants in CUBN are known to be pathogenic (PMID: 15024727, 22929189, 25349199, 31613795, 34979989). This variant is present in population databases (rs386833766, gnomAD 0.0009%). Disruption of this splice site has been observed in individual(s) with CUBN-related conditions and/or megaloblastic anemia (PMID: 15024727; internal data). In at least one individual the data is consistent with being in trans (on the opposite chromosome) from a pathogenic variant. ClinVar contains an entry for this variant (Variation ID: 56318). Algorithms developed to predict the effect of sequence changes on RNA splicing suggest that this variant may disrupt the consensus splice site. For these reasons, this variant has been classified as Pathogenic.

Fulgent Genetics
Classification: Likely pathogenic for Imerslund-Grasbeck syndrome type 1; Proteinuria, chronic benign. Last evaluated: 2024-04-13. Review status: criteria provided, single submitter. Criteria: ACMG Guidelines, 2015. Collection method: clinical testing. Allele origin: germline.

Juha Muilu Group; Institute for Molecular Medicine Finland (FIMM)
Classification: Likely pathogenic for Megaloblastic anemia due to inborn errors of metabolism. Review status: no assertion criteria provided. Collection method: not provided. Allele origin: unknown. Not counted in ClinVar's aggregate classification.
Comment: FinDis database variant: This variant was not found or characterized by our laboratory, data were collected from public sources: see reference
ClinVar note: Converted during submission from probable-pathogenic to Likely pathogenic.

Literature cited by the submitters: PubMed 16199547 (cited by Labcorp Genetics (formerly Invitae), Labcorp); PubMed 15024727 (cited by Labcorp Genetics (formerly Invitae), Labcorp); PubMed 22929189 (cited by Labcorp Genetics (formerly Invitae), Labcorp); PubMed 25349199 (cited by Labcorp Genetics (formerly Invitae), Labcorp); PubMed 31613795 (cited by Labcorp Genetics (formerly Invitae), Labcorp); PubMed 34979989 (cited by Labcorp Genetics (formerly Invitae), Labcorp).

NM_001081.4(CUBN):c.1230+1G>A

Gene: CUBN (cubilin; minus strand). Cytogenetic location: 10p13.
Variant type: single nucleotide variant.
Coding change: c.1230+1G>A on transcript NM_001081.4 (MANE Select); the canonical splice donor site of the intron after coding-DNA position 1230, G replaced by A.
Molecular consequence: splice donor variant.
Genome position (GRCh38, 1-based): chr10:17,105,456, C>T on the plus strand (G>A on the coding strand, the complement: CUBN is on the minus strand). VCF-style: chr10-17105456-C-T. GRCh37 (hg19) VCF-style: chr10-17147455-C-T.
Identifiers: ClinVar variation 56318 (VCV000056318.5), dbSNP rs386833766, ClinGen allele CA144246.
Genomic context (GRCh38, chr10:17,105,456, plus strand): 5'-TTTATAGGCGTGAAACTAATTCTCAGGTACTCTCTGTCCACAGGAAAAACAAAGGACTCA[C>T]GATGCATTGTCCATTTAGACAGGGGTGACTTAGGCAAATATTACTGAGCTGCACACATCC-3'